The following is an entry in ClinVar:

ClinVar aggregate classification (germline): Uncertain significance. Review status: criteria provided, multiple submitters, no conflicts (2 of 4 stars). 6 submissions from 6 submitters: Uncertain significance (6). Last evaluated 2025-10-29.

Conditions:
Cardiomyopathy (CMYO). Also called: Cardiomyopathies. Identifiers: Orphanet 167848, MedGen C0878544, MONDO:0004994, HP:0001638. Inheritance: Various modes of inheritance.
Cardiovascular phenotype. Identifiers: MedGen CN230736.
Hypertrophic cardiomyopathy. Also called: HYPERTROPHIC MYOCARDIOPATHY. Identifiers: Orphanet 217569, MedGen C0007194, MeSH D002312, MONDO:0005045, HP:0001639.

Allele frequency attached by ClinVar (database versions not stated): gnomAD 0.00001; TOPMed 0.00001; gnomAD exomes 0.00006; ExAC 0.00012.

Submissions (6):

Labcorp Genetics (formerly Invitae), Labcorp
Classification: Uncertain significance for Hypertrophic cardiomyopathy. Last evaluated: 2025-10-29. Review status: criteria provided, single submitter. Criteria: Invitae Variant Classification Sherloc (09022015). Collection method: clinical testing. Allele origin: germline.
Comment: This sequence change replaces asparagine, which is neutral and polar, with isoleucine, which is neutral and non-polar, at codon 1448 of the MYH7 protein (p.Asn1448Ile). This variant is present in population databases (rs753484341, gnomAD 0.01%). This missense change has been observed in individual(s) with hypertrophic cardiomyopathy or primary cardiomyopathy (PMID: 25979592, 37477868). ClinVar contains an entry for this variant (Variation ID: 432912). Invitae Evidence Modeling of protein sequence and biophysical properties (such as structural, functional, and spatial information, amino acid conservation, physicochemical variation, residue mobility, and thermodynamic stability) indicates that this missense variant is expected to disrupt MYH7 protein function with a positive predictive value of 95%. In summary, the available evidence is currently insufficient to determine the role of this variant in disease. Therefore, it has been classified as a Variant of Uncertain Significance.

Revvity Omics, Revvity
Classification: Uncertain significance. Last evaluated: 2025-08-04. Review status: criteria provided, single submitter. Criteria: ACMG Guidelines, 2015. Collection method: clinical testing. Allele origin: germline.

Color Diagnostics, LLC DBA Color Health
Classification: Uncertain significance for Cardiomyopathy. Last evaluated: 2025-04-14. Review status: criteria provided, single submitter. Criteria: ACMG Guidelines, 2015. Collection method: clinical testing. Allele origin: germline.
Comment: This missense variant replaces asparagine with isoleucine at codon 1448 of the MYH7 protein. Computational prediction suggests that this variant may have a deleterious impact on protein structure and function. To our knowledge, functional studies have not been reported for this variant. This variant has been reported in an individual affected with hypertrophic cardiomyopathy (PMID: 25979592) and in an individual affected with an unspecified cardiomyopathy (PMID: 37477868). This variant has also been identified in 16/251384 chromosomes in the general population by the Genome Aggregation Database (gnomAD). The available evidence is insufficient to determine the role of this variant in disease conclusively. Therefore, this variant is classified as a Variant of Uncertain Significance.

GeneDx
Classification: Uncertain significance. Last evaluated: 2025-01-27. Review status: criteria provided, single submitter. Criteria: GeneDx Variant Classification Process June 2021. Collection method: clinical testing. Allele origin: germline. Affected: yes.
Comment: Observed in individuals with cardiomyopathy in published literature; however, additional information was not provided (PMID: 37477868, 25979592); In silico analysis supports that this missense variant has a deleterious effect on protein structure/function; This variant is associated with the following publications: (PMID: 25979592, 37477868, 35653365, 34542152)

Ambry Genetics
Classification: Uncertain significance for Cardiovascular phenotype. Last evaluated: 2024-09-17. Review status: criteria provided, single submitter. Criteria: Ambry Variant Classification Scheme 2023. Collection method: clinical testing. Allele origin: germline.
Comment: The p.N1448I variant (also known as c.4343A>T), located in coding exon 29 of the MYH7 gene, results from an A to T substitution at nucleotide position 4343. The asparagine at codon 1448 is replaced by isoleucine, an amino acid with dissimilar properties. This variant co-occurred with a variant in the NEXN gene in an individual with hypertrophic cardiomyopathy (Waldm&uuml;ller S et al. Mol Cell Probes, 2015 Oct;29:308-14). This variant has also been reported in cardiomyopathy and biobank cohorts (Stava TT et al. Eur J Prev Cardiol, 2022 Oct;29:1789-1799; Park J et al. Hum Mol Genet, 2022 Mar;31:827-837; Akinrinade O et al. J Cardiovasc Transl Res, 2023 Dec;16:1287-1302). This amino acid position is highly conserved in available vertebrate species. In addition, the in silico prediction for this alteration is inconclusive. Since supporting evidence is limited at this time, the clinical significance of this alteration remains unclear.

All of Us Research Program, National Institutes of Health
Classification: Uncertain significance for Cardiomyopathy. Last evaluated: 2024-05-14. Review status: criteria provided, single submitter. Criteria: ACMG Guidelines, 2015. Collection method: clinical testing. Allele origin: germline. Inheritance: Autosomal dominant inheritance. Observed: 12 variant alleles, 12 heterozygotes.
Comment: This missense variant replaces asparagine with isoleucine at codon 1448 of the MYH7 protein. Computational prediction tools indicate that this variant has a deleterious impact on protein structure and function. To our knowledge, functional studies have not been reported for this variant. This variant has been reported in one individual affected with hypertrophic cardiomyopathy (PMID: 25979592), and in one individual affected with an unspecified cardiomyopathy (PMID: 37477868). This variant has also been identified in 16/251384 chromosomes in the general population by the Genome Aggregation Database (gnomAD). The available evidence is insufficient to determine the role of this variant in disease conclusively. Therefore, this variant is classified as a Variant of Uncertain Significance.

This study involves interpretation of variants in research participants for the purpose of population health screening. Participant phenotype was not available at the time of variant classification. Additional details can be found in publication PMID: 35346344, PMCID: PMC8962531

Literature cited by the submitters: PubMed 25979592 (cited by 4 submitters); PubMed 37477868 (cited by 4 submitters); PubMed 34542152 (cited by Ambry Genetics); PubMed 35653365 (cited by Ambry Genetics).

NM_000257.4(MYH7):c.4343A>T (p.Asn1448Ile)

Genes: MHRT (myosin heavy chain associated RNA transcript; plus strand), MYH7 (myosin heavy chain 7; minus strand). Cytogenetic location: 14q11.2.
Variant type: single nucleotide variant.
Coding change: c.4343A>T on transcript NM_000257.4 (MANE Select); coding-DNA position 4343, A replaced by T.
Protein change: p.Asn1448Ile; replaces asparagine 1448 with isoleucine.
Molecular consequence: missense variant.
Genome position (GRCh38, 1-based): chr14:23,417,513, T>A on the plus strand (A>T on the coding strand, the complement: MYH7 is on the minus strand). VCF-style: chr14-23417513-T-A. GRCh37 (hg19) VCF-style: chr14-23886722-T-A.
Other names: c.4343A>T (LRG_384t1); short protein forms N1448I.
Identifiers: ClinVar variation 432912 (VCV000432912.35), dbSNP rs753484341, ClinGen allele CA041680.